The following is an entry in ClinVar:

ClinVar aggregate classification (germline): Uncertain significance (1 of 4 stars; one submission).

Allele frequency attached by ClinVar (database versions not stated): gnomAD exomes below 0.00001; gnomAD 0.00001.
gnomAD v4.1: 2 of 1,614,114 alleles (0.00012%); highest among the groups gnomAD compares: Admixed American, 0.0033%; no homozygotes.

Submission:

Labcorp Genetics (formerly Invitae), Labcorp
Classification: Uncertain significance. Last evaluated: 2024-01-24. Review status: criteria provided, single submitter. Criteria: Invitae Variant Classification Sherloc (09022015). Collection method: clinical testing. Allele origin: germline.
Comment: This sequence change replaces proline, which is neutral and non-polar, with alanine, which is neutral and non-polar, at codon 1616 of the C3 protein (p.Pro1616Ala). This variant is not present in population databases (gnomAD no frequency). This variant has not been reported in the literature in individuals affected with C3-related conditions. Advanced modeling of protein sequence and biophysical properties (such as structural, functional, and spatial information, amino acid conservation, physicochemical variation, residue mobility, and thermodynamic stability) performed at Invitae indicates that this missense variant is not expected to disrupt C3 protein function with a negative predictive value of 80%. In summary, the available evidence is currently insufficient to determine the role of this variant in disease. Therefore, it has been classified as a Variant of Uncertain Significance.

NM_000064.4(C3):c.4846C>G (p.Pro1616Ala)

Gene: C3 (complement C3; minus strand). Cytogenetic location: 19p13.3.
Variant type: single nucleotide variant.
Coding change: c.4846C>G on transcript NM_000064.4 (MANE Select); coding-DNA position 4846, C replaced by G.
Protein change: p.Pro1616Ala; replaces proline 1616 with alanine.
Molecular consequence: missense variant.
Genome position (GRCh38, 1-based): chr19:6,678,156, G>C on the plus strand (C>G on the coding strand, the complement: C3 is on the minus strand). VCF-style: chr19-6678156-G-C. GRCh37 (hg19) VCF-style: chr19-6678167-G-C.
Other names: short protein forms P1616A.
Identifiers: ClinVar variation 2982080 (VCV002982080.3), dbSNP rs1917765607, ClinGen allele CA403610847.